The following is an entry in ClinVar:

NM_023067.4(FOXL2):c.576dup (p.Lys193fs)

Gene: FOXL2 (forkhead box L2; minus strand). Cytogenetic location: 3q22.3.
Variant type: Duplication.
Coding change: c.576dup on transcript NM_023067.4 (MANE Select); coding-DNA position 576, one base duplicated (C; older notation c.576dupC).
Protein change: p.Lys193fs; shifts the reading frame from lysine 193.
Molecular consequence: frameshift variant.
Genome position (GRCh38, 1-based): chr3:138,946,147, G duplicated on the plus strand (C on the coding strand, the reverse complement: FOXL2 is on the minus strand); the first of 6 consecutive G bases (chr3:138,946,147-138,946,152); duplicating any one gives the same sequence. VCF-style (leftmost placement, unchanged base first): chr3-138946146-T-TG. GRCh37 (hg19) VCF-style: chr3-138664988-T-TG.
Other names: short protein forms K193fs.
Identifiers: ClinVar variation 369912 (VCV000369912.7), dbSNP rs1057516161, ClinGen allele CA10654882.

ClinVar aggregate classification (germline): Pathogenic. Review status: criteria provided, multiple submitters, no conflicts (2 of 4 stars). 3 submissions from 3 submitters: Pathogenic (3). Last evaluated 2023-08-16.

Conditions:
Inborn genetic diseases. Identifiers: MedGen C0950123, MeSH D030342.
Blepharophimosis, ptosis, and epicanthus inversus syndrome. Identifiers: Orphanet 126, MedGen C0220663, MONDO:0007201, OMIM 110100.

Submissions (3):

Ambry Genetics
Classification: Pathogenic for Inborn genetic diseases. Last evaluated: 2023-08-16. Review status: criteria provided, single submitter. Criteria: Ambry Variant Classification Scheme 2023. Collection method: clinical testing. Allele origin: germline.
Comment: The c.576dupC (p.K193Qfs*46) alteration, located in exon 1 (coding exon 1) of the FOXL2 gene, consists of a duplication of C at position 576, causing a translational frameshift with a predicted alternate stop codon after 46 amino acids. Frameshifts/Premature stop codons are typically deleterious in nature; however, because FOXL2 is a single-exon gene this alteration is not expected to trigger nonsense-mediated mRNA decay and a(n) altered/truncated protein could still be expressed (Maquat, 2004). This alteration impacts/removes the last 183 amino acids of the protein and the exact functional impact of these amino acids is unknown at this time. This variant was not reported in population-based cohorts in the Genome Aggregation Database (gnomAD). This variant has been reported in multiple individuals and their family members with clinical features consistent with FOXL2-related blepharophimosis, epicanthus inversus, and ptosis (Beysen, 2008; Chac&oacute;n-Camacho, 2019). Based on the available evidence, this alteration is classified as pathogenic.

Labcorp Genetics (formerly Invitae), Labcorp
Classification: Pathogenic. Last evaluated: 2022-06-17. Review status: criteria provided, single submitter. Criteria: Invitae Variant Classification Sherloc (09022015). Collection method: clinical testing. Allele origin: germline.
Comment: This variant disrupts a region of the FOXL2 protein in which other variant(s) (p.Pro307Hisfs*52) have been determined to be pathogenic (PMID: 11468277). This suggests that this is a clinically significant region of the protein, and that variants that disrupt it are likely to be disease-causing. This sequence change creates a premature translational stop signal (p.Lys193Glnfs*46) in the FOXL2 gene. While this is not anticipated to result in nonsense mediated decay, it is expected to disrupt the last 184 amino acid(s) of the FOXL2 protein. This variant is not present in population databases (gnomAD no frequency). This premature translational stop signal has been observed in individual(s) with blepharophimosis, ptosis, and epicanthus inversus syndrome (PMID: 18642388, 31048069). This variant is also known as c.576_577insC. ClinVar contains an entry for this variant (Variation ID: 369912). For these reasons, this variant has been classified as Pathogenic.

Genomic Diagnostic Laboratory, Division of Genomic Diagnostics, Children's Hospital of Philadelphia
Classification: Pathogenic for Blepharophimosis, ptosis, and epicanthus inversus syndrome. Last evaluated: 2016-11-03. Review status: criteria provided, single submitter. Criteria: DGD Variant Analysis Guidelines. Collection method: clinical testing. Allele origin: germline. Affected: yes. Observed: 1 variant allele.
Comment: Clinical Testing

Literature cited by the submitters: PubMed 18642388 (cited by Ambry Genetics and Labcorp Genetics (formerly Invitae), Labcorp); PubMed 31048069 (cited by Ambry Genetics and Labcorp Genetics (formerly Invitae), Labcorp); PubMed 11468277 (cited by Labcorp Genetics (formerly Invitae), Labcorp).